The following is an entry in ClinVar:

NM_000059.4(BRCA2):c.2893del (p.Lys964_Met965insTer)

Gene: BRCA2 (BRCA2 DNA repair associated; plus strand). Cytogenetic location: 13q13.1.
Variant type: Deletion.
Coding change: c.2893del on transcript NM_000059.4 (MANE Select); coding-DNA position 2893, one base deleted (A; older notation c.2893delA).
Protein change: p.Lys964_Met965insTer.
Molecular consequence: nonsense.
Genome position (GRCh38, 1-based): chr13:32,337,248, A deleted; the last of 5 consecutive A bases (chr13:32,337,244-32,337,248); deleting any one gives the same sequence. VCF-style (leftmost placement, unchanged base first): chr13-32337243-TA-T. GRCh37 (hg19) VCF-style: chr13-32911380-TA-T.
Other names: c.2893delA (NM_000059.4).
Identifiers: ClinVar variation 1696798 (VCV001696798.9), dbSNP rs2137490962, ClinGen allele CA645573220.

ClinVar aggregate classification (germline): Pathogenic. Review status: criteria provided, multiple submitters, no conflicts (2 of 4 stars). 3 submissions from 3 submitters: Pathogenic (2). 1 of the submissions does not count toward it. Last evaluated 2023-03-18.

Conditions:
Hereditary cancer-predisposing syndrome. Also called: Hereditary neoplastic syndrome; Tumor predisposition; Neoplastic Syndromes, Hereditary; Hereditary Cancer Syndrome. Identifiers: Orphanet 140162, MedGen C0027672, MeSH D009386, MONDO:0015356.
Hereditary breast ovarian cancer syndrome. Also called: Hereditary breast and ovarian cancer syndrome; Breast and ovarian cancer; Hereditary breast and ovarian cancer; Hereditary breast and/or ovarian cancer syndrome; Hereditary breast and ovarian cancer syndrome (HBOC); BRCA1- and BRCA2-Associated Hereditary Breast and Ovarian Cancer. Identifiers: Orphanet 145, MedGen C0677776, MeSH D061325, MONDO:0003582. Disease mechanism: loss of function.

Submissions (3):

Labcorp Genetics (formerly Invitae), Labcorp
Classification: Pathogenic for Hereditary breast ovarian cancer syndrome. Last evaluated: 2023-03-18. Review status: criteria provided, single submitter. Criteria: Invitae Variant Classification Sherloc (09022015). Collection method: clinical testing. Allele origin: germline.
Comment: This sequence change creates a premature translational stop signal (p.Met965*) in the BRCA2 gene. It is expected to result in an absent or disrupted protein product. Loss-of-function variants in BRCA2 are known to be pathogenic (PMID: 20104584). This variant is not present in population databases (gnomAD no frequency). This variant has not been reported in the literature in individuals affected with BRCA2-related conditions. ClinVar contains an entry for this variant (Variation ID: 1696798). For these reasons, this variant has been classified as Pathogenic.

Ambry Genetics
Classification: Pathogenic for Hereditary cancer-predisposing syndrome. Last evaluated: 2020-06-25. Review status: criteria provided, single submitter. Criteria: Ambry Variant Classification Scheme 2023. Collection method: clinical testing. Allele origin: germline.
Comment: The c.2893delA pathogenic mutation (also known as p.M965*), located in coding exon 10 of the BRCA2 gene, results from a deletion of one nucleotide at nucleotide position 2893. This changes the amino acid from a methionine to a stop codon within coding exon 10. This alteration is expected to result in loss of function by premature protein truncation or nonsense-mediated mRNA decay. As such, this alteration is interpreted as a disease-causing mutation.

Genomic Center, National Cancer Institute
Classification: Pathogenic for Hereditary cancer-predisposing syndrome. Review status: no assertion criteria provided. Collection method: case-control. Allele origin: germline. Affected: yes. Not counted in ClinVar's aggregate classification.

Literature cited by the submitters: PubMed 20104584 (cited by Labcorp Genetics (formerly Invitae), Labcorp).